The following is an entry in ClinVar:

NM_005032.7(PLS3):c.1101A>G (p.Leu367=)

Gene: PLS3 (plastin 3; plus strand). Cytogenetic location: Xq23.
Variant type: single nucleotide variant.
Coding change: c.1101A>G on transcript NM_005032.7 (MANE Select); coding-DNA position 1101, A replaced by G.
Protein change: p.Leu367=; no amino-acid change (leucine 367 retained).
Molecular consequence: synonymous variant.
Genome position (GRCh38, 1-based): chrX:115,643,426, A>G. VCF-style: chrX-115643426-A-G. GRCh37 (hg19) VCF-style: chrX-114877738-A-G.
Other names: c.1101A>G, p.Leu367= (NM_001136025.5); c.1020A>G, p.Leu340= (NM_001172335.3); c.1062A>G, p.Leu354= (NM_001282337.2); c.966A>G, p.Leu322= (NM_001282338.2); c.1101A>G (NM_005032.6).
Identifiers: ClinVar variation 1570158 (VCV001570158.10), dbSNP rs1859671, ClinGen allele CA10497003.

ClinVar aggregate classification (germline): Benign. Review status: criteria provided, single submitter (1 of 4 stars). 2 submissions from 2 submitters: Benign (1). 1 of the submissions does not count toward it. Last evaluated 2026-01-09.

Conditions:
PLS3-related disorder. Also called: PLS3-related condition.

Allele frequency attached by ClinVar (database versions not stated): ExAC 0.00013; gnomAD exomes 0.00013 and 0.00023; gnomAD 0.00015 and 0.00017; TOPMed 0.00015; ESP Exome Variant Server 0.00019.
gnomAD v4.1: 272 of 1,200,479 alleles (0.023%); highest among the groups gnomAD compares: Admixed American, 0.029%; no homozygotes.

Submissions (2):

Labcorp Genetics (formerly Invitae), Labcorp
Classification: Benign. Last evaluated: 2026-01-09. Review status: criteria provided, single submitter. Criteria: Invitae Variant Classification Sherloc (09022015). Collection method: clinical testing. Allele origin: germline.

PreventionGenetics, part of Exact Sciences
Classification: Likely benign for PLS3-related condition. Last evaluated: 2023-11-21. Review status: no assertion criteria provided. Collection method: clinical testing. Allele origin: germline. Not counted in ClinVar's aggregate classification.
Comment: This variant is classified as likely benign based on ACMG/AMP sequence variant interpretation guidelines (Richards et al. 2015 PMID: 25741868, with internal and published modifications).